The following is an entry in ClinVar:

ClinVar aggregate classification (germline): Benign. Review status: criteria provided, multiple submitters, no conflicts (2 of 4 stars). 4 submissions from 3 submitters: Benign (4). Last evaluated 2021-10-25.

Conditions:
Combined oxidative phosphorylation defect type 13. Also called: Combined oxidative phosphorylation deficiency 13. Identifiers: Orphanet 319514, MedGen C4706283, MONDO:0013977, OMIM 614932.
Autosomal recessive nonsyndromic hearing loss 70. Also called: Deafness, autosomal recessive 70. Identifiers: Orphanet 90636, MedGen C1824925, MONDO:0013978, OMIM 614934.

Allele frequency attached by ClinVar (database versions not stated): 1000 Genomes Project 0.82827; 1000 Genomes Project 30x 0.83932; ExAC 0.89848; TOPMed 0.92775; gnomAD 0.92991; ESP Exome Variant Server 0.95012.
gnomAD v4.1: 1,292,513 of 1,399,528 alleles (92%); highest among the groups gnomAD compares: African/African-American, 96%; 601,109 homozygotes.

Submissions (4):

Genome-Nilou Lab
Classification: Benign for Combined oxidative phosphorylation defect type 13. Last evaluated: 2021-10-25. Review status: criteria provided, single submitter. Criteria: ACMG Guidelines, 2015. Collection method: clinical testing. Allele origin: germline. Affected: no.

Genome-Nilou Lab
Classification: Benign for Autosomal recessive nonsyndromic hearing loss 70. Last evaluated: 2021-10-25. Review status: criteria provided, single submitter. Criteria: ACMG Guidelines, 2015. Collection method: clinical testing. Allele origin: germline. Affected: no.

GeneDx
Classification: Benign. Last evaluated: 2018-06-14. Review status: criteria provided, single submitter. Criteria: GeneDx Variant Classification (06012015). Collection method: clinical testing. Allele origin: germline. Affected: yes.
Comment: This variant is considered likely benign or benign based on one or more of the following criteria: it is a conservative change, it occurs at a poorly conserved position in the protein, it is predicted to be benign by multiple in silico algorithms, and/or has population frequency not consistent with disease.

Breakthrough Genomics
Classification: Benign. Review status: criteria provided, single submitter. Criteria: ACMG Guidelines, 2015. Collection method: not provided. Allele origin: germline. Inheritance: Autosomal recessive inheritance. Affected: yes.

NM_033109.5(PNPT1):c.867-47T>A

Gene: PNPT1 (polyribonucleotide nucleotidyltransferase 1; minus strand). Cytogenetic location: 2p16.1.
Variant type: single nucleotide variant.
Coding change: c.867-47T>A on transcript NM_033109.5 (MANE Select); 47 bases into the intron before coding-DNA position 867, T replaced by A.
Molecular consequence: intron variant.
Genome position (GRCh38, 1-based): chr2:55,672,093, A>T on the plus strand (T>A on the coding strand, the complement: PNPT1 is on the minus strand). VCF-style: chr2-55672093-A-T. GRCh37 (hg19) VCF-style: chr2-55899228-A-T.
Identifiers: ClinVar variation 671587 (VCV000671587.4), dbSNP rs782631, ClinGen allele CA1668325.
Genomic context (GRCh38, chr2:55,672,093, plus strand): 5'-TCTCCATAGCAAGTCTATTTAAGCAGAAAATAAATGTTAGCATAATAATATCTGGAAACA[A>T]GAGGCAGTTTCTATTATAAACAAAACTGAAATATTTAATAATAATCAGCTAAAACTTTAA-3'